The following is an entry in ClinVar:

ClinVar aggregate classification (germline): Pathogenic (1 of 4 stars; one submission).

Submission:

Labcorp Genetics (formerly Invitae), Labcorp
Classification: Pathogenic. Last evaluated: 2023-09-27. Review status: criteria provided, single submitter. Criteria: Invitae Variant Classification Sherloc (09022015). Collection method: clinical testing. Allele origin: germline.
Comment: This sequence change creates a premature translational stop signal (p.Ser5802Asnfs*5) in the ADGRV1 gene. It is expected to result in an absent or disrupted protein product. Loss-of-function variants in ADGRV1 are known to be pathogenic (PMID: 19357117, 22135276, 22147658, 26226137, 30718709, 31047384, 32467589). This variant is not present in population databases (gnomAD no frequency). This variant has not been reported in the literature in individuals affected with ADGRV1-related conditions. Algorithms developed to predict the effect of sequence changes on RNA splicing suggest that this variant may disrupt the consensus splice site. For these reasons, this variant has been classified as Pathogenic.

Literature cited by the submitters: PubMed 19357117; PubMed 22135276; PubMed 22147658; PubMed 26226137; PubMed 30718709; PubMed 31047384; PubMed 32467589.

NM_032119.4(ADGRV1):c.17405_17408del (p.Ser5802fs)

Gene: ADGRV1 (adhesion G protein-coupled receptor V1; plus strand). Cytogenetic location: 5q14.3.
Variant type: Deletion.
Coding change: c.17405_17408del on transcript NM_032119.4 (MANE Select); coding-DNA positions 17405 to 17408, 4 bases deleted (GCCA; older notation c.17405_17408delGCCA).
Protein change: p.Ser5802fs; shifts the reading frame from serine 5802.
Molecular consequence: frameshift variant. On other transcripts: non-coding transcript variant (1).
Genome position (GRCh38, 1-based): chr5:90,853,484-90,853,487, GCCA deleted; deleting any 4 consecutive bases within chr5:90,853,482-90,853,487 gives the same sequence; the c. name uses the placement nearest the transcript's 3' end. VCF-style (leftmost placement, unchanged base first): chr5-90853481-GCAGC-G. GRCh37 (hg19) VCF-style: chr5-90149298-GCAGC-G.
Other names: short protein forms S5802fs.
Identifiers: ClinVar variation 2853983 (VCV002853983.3), dbSNP rs2532543260, ClinGen allele CA2739274954.